The following is an entry in ClinVar:

ClinVar aggregate classification (germline): Uncertain significance (1 of 4 stars; one submission).

Allele frequency attached by ClinVar (database versions not stated): TOPMed below 0.00001.
gnomAD v4.1: 1 of 1,614,010 alleles (0.000062%); highest among the groups gnomAD compares: South Asian, 0.0011%; no homozygotes.

Submission:

Labcorp Genetics (formerly Invitae), Labcorp
Classification: Uncertain significance. Last evaluated: 2022-07-03. Review status: criteria provided, single submitter. Criteria: Invitae Variant Classification Sherloc (09022015). Collection method: clinical testing. Allele origin: germline.
Comment: This sequence change replaces alanine, which is neutral and non-polar, with valine, which is neutral and non-polar, at codon 321 of the CDH3 protein (p.Ala321Val). This variant is not present in population databases (gnomAD no frequency). This variant has not been reported in the literature in individuals affected with CDH3-related conditions. Algorithms developed to predict the effect of missense changes on protein structure and function output the following: SIFT: "Not Available"; PolyPhen-2: "Benign"; Align-GVGD: "Not Available". The valine amino acid residue is found in multiple mammalian species, which suggests that this missense change does not adversely affect protein function. In summary, the available evidence is currently insufficient to determine the role of this variant in disease. Therefore, it has been classified as a Variant of Uncertain Significance.

NM_001793.6(CDH3):c.962C>T (p.Ala321Val)

Gene: CDH3 (cadherin 3; plus strand). Cytogenetic location: 16q22.1.
Variant type: single nucleotide variant.
Coding change: c.962C>T on transcript NM_001793.6 (MANE Select); coding-DNA position 962, C replaced by T.
Protein change: p.Ala321Val; replaces alanine 321 with valine.
Molecular consequence: missense variant.
Genome position (GRCh38, 1-based): chr16:68,681,062, C>T. VCF-style: chr16-68681062-C-T. GRCh37 (hg19) VCF-style: chr16-68714965-C-T.
Other names: c.962C>T, p.Ala321Val (NM_001317195.3); c.797C>T, p.Ala266Val (NM_001317196.2); short protein forms A266V, A321V.
Identifiers: ClinVar variation 1969223 (VCV001969223.2), dbSNP rs1961212971, ClinGen allele CA396452019.